The following is an entry in ClinVar:

NM_024675.4(PALB2):c.206A>C (p.His69Pro)

Gene: PALB2 (partner and localizer of BRCA2; minus strand). Cytogenetic location: 16p12.2.
Variant type: single nucleotide variant.
Coding change: c.206A>C on transcript NM_024675.4 (MANE Select); coding-DNA position 206, A replaced by C.
Protein change: p.His69Pro; replaces histidine 69 with proline.
Molecular consequence: missense variant.
Genome position (GRCh38, 1-based): chr16:23,637,855, T>G on the plus strand (A>C on the coding strand, the complement: PALB2 is on the minus strand). VCF-style: chr16-23637855-T-G. GRCh37 (hg19) VCF-style: chr16-23649176-T-G.
Other names: short protein forms H69P.
Identifiers: ClinVar variation 480241 (VCV000480241.11), dbSNP rs749443090, ClinGen allele CA7963827.

ClinVar aggregate classification (germline): Uncertain significance. Review status: criteria provided, multiple submitters, no conflicts (2 of 4 stars). 4 submissions from 4 submitters: Uncertain significance (4). Last evaluated 2025-03-04.

Conditions:
Familial cancer of breast. Also called: BREAST CANCER, FAMILIAL; Hereditary breast cancer; hereditary breast carcinoma. Identifiers: Orphanet 227535, MedGen C0346153, MONDO:0016419, OMIM 114480. Disease mechanism: loss of function.
Hereditary cancer-predisposing syndrome. Also called: Hereditary Cancer Syndrome; Neoplastic Syndromes, Hereditary; Tumor predisposition; Hereditary neoplastic syndrome. Identifiers: Orphanet 140162, MedGen C0027672, MeSH D009386, MONDO:0015356.

Allele frequency attached by ClinVar (database versions not stated): gnomAD exomes 0.00001; ExAC 0.00002.
gnomAD v4.1: 4 of 1,608,952 alleles (0.00025%); highest among the groups gnomAD compares: Non-Finnish European, 0.00026%; no homozygotes.

Submissions (4):

Center for Genomic Medicine, Rigshospitalet, Copenhagen University Hospital
Classification: Uncertain significance. Last evaluated: 2025-03-04. Review status: criteria provided, single submitter. Criteria: ACMG Guidelines, 2015. Collection method: clinical testing. Allele origin: germline.

Labcorp Genetics (formerly Invitae), Labcorp
Classification: Uncertain significance for Familial cancer of breast. Last evaluated: 2023-07-24. Review status: criteria provided, single submitter. Criteria: Invitae Variant Classification Sherloc (09022015). Collection method: clinical testing. Allele origin: germline.
Comment: This sequence change replaces histidine, which is basic and polar, with proline, which is neutral and non-polar, at codon 69 of the PALB2 protein (p.His69Pro). In summary, the available evidence is currently insufficient to determine the role of this variant in disease. Therefore, it has been classified as a Variant of Uncertain Significance. An algorithm developed to predict the effect of missense changes on protein structure and function (PolyPhen-2) suggests that this variant is likely to be disruptive. ClinVar contains an entry for this variant (Variation ID: 480241). This variant has not been reported in the literature in individuals affected with PALB2-related conditions. This variant is present in population databases (rs749443090, gnomAD 0.002%).

Clinical Genetics Laboratory, Skane University Hospital Lund
Classification: Uncertain significance. Last evaluated: 2023-05-23. Review status: criteria provided, single submitter. Criteria: ACMG Guidelines, 2015. Collection method: clinical testing. Allele origin: germline. Affected: yes.

Ambry Genetics
Classification: Uncertain significance for Hereditary cancer-predisposing syndrome. Last evaluated: 2016-04-07. Review status: criteria provided, single submitter. Criteria: Ambry Variant Classification Scheme 2023. Collection method: clinical testing. Allele origin: germline.
Comment: The p.H69P variant (also known as c.206A>C), located in coding exon 3 of the PALB2 gene, results from an A to C substitution at nucleotide position 206. The histidine at codon 69 is replaced by proline, an amino acid with similar properties. This variant was not reported in population based cohorts in the following databases: Database of Single Nucleotide Polymorphisms (dbSNP), NHLBI Exome Sequencing Project (ESP), and 1000 Genomes Project. In the ESP, this variant was not observed in 6497 samples (12994 alleles) with coverage at this position. To date, this alteration has been detected with an allele frequency of approximately 0.001% (greater than 130000 alleles tested) in our clinical cohort. This amino acid position is well conserved in available vertebrate species. In addition, this alteration is predicted to be tolerated by in silico analysis. Since supporting evidence is limited at this time, the clinical significance of this alteration remains unclear.